The following is an entry in ClinVar:

ClinVar aggregate classification (germline): Uncertain significance (1 of 4 stars; one submission).

gnomAD v4.1: 2 of 1,208,605 alleles (0.00017%); highest among the groups gnomAD compares: Non-Finnish European, 0.00022%; no homozygotes.

Submission:

GeneDx
Classification: Uncertain significance. Last evaluated: 2024-10-01. Review status: criteria provided, single submitter. Criteria: GeneDx Variant Classification Process June 2021. Collection method: clinical testing. Allele origin: germline. Affected: yes.
Comment: Not observed at significant frequency in large population cohorts (gnomAD); In silico analysis supports that this missense variant has a deleterious effect on protein structure/function; Has not been previously published as pathogenic or benign to our knowledge

NM_020922.5(WNK3):c.1334A>G (p.Asn445Ser)

Gene: WNK3 (WNK lysine deficient protein kinase 3; minus strand). Cytogenetic location: Xp11.22.
Variant type: single nucleotide variant.
Coding change: c.1334A>G on transcript NM_020922.5 (MANE Select); coding-DNA position 1334, A replaced by G.
Protein change: p.Asn445Ser; replaces asparagine 445 with serine.
Molecular consequence: missense variant.
Genome position (GRCh38, 1-based): chrX:54,298,239, T>C on the plus strand (A>G on the coding strand, the complement: WNK3 is on the minus strand). VCF-style: chrX-54298239-T-C. GRCh37 (hg19) VCF-style: chrX-54324672-T-C.
Other names: c.1334A>G, p.Asn445Ser (NM_001002838.4, NM_001395166.1); short protein forms N445S.
Identifiers: ClinVar variation 3776618 (VCV003776618.1).
Genomic context (GRCh38, chrX:54,298,239, plus strand): 5'-TCATATGCTACTTCCTCAGGTGTATCTGTTTCTAAGTTGAAACTAAATTCAATAGCTTCA[T>C]TGTCTTTGTGTTTGCCTTTCAATTTTTTAGGGTCTTCAACCCAGAGTCTTAAAGCAAGGG-3'
Protein context (NP_065973.2, residues 435-455): PKKLKGKHKD[Asn445Ser]EAIEFSFNLE